The following is an entry in ClinVar:

NM_019066.5(MAGEL2):c.3136A>T (p.Met1046Leu)

Gene: MAGEL2 (MAGE family member L2; minus strand). Cytogenetic location: 15q11.2.
Variant type: single nucleotide variant.
Coding change: c.3136A>T on transcript NM_019066.5 (MANE Select); coding-DNA position 3136, A replaced by T.
Protein change: p.Met1046Leu; replaces methionine 1046 with leucine.
Molecular consequence: missense variant.
Genome position (GRCh38, 1-based): chr15:23,644,607, T>A on the plus strand (A>T on the coding strand, the complement: MAGEL2 is on the minus strand). VCF-style: chr15-23644607-T-A. GRCh37 (hg19) VCF-style: chr15-23889754-T-A.
Other names: short protein forms M1046L.
Identifiers: ClinVar variation 4748252 (VCV004748252.1).

ClinVar aggregate classification (germline): Uncertain significance (1 of 4 stars; one submission).

Submission:

Labcorp Genetics (formerly Invitae), Labcorp
Classification: Uncertain significance. Last evaluated: 2025-04-19. Review status: criteria provided, single submitter. Criteria: Invitae Variant Classification Sherloc (09022015). Collection method: clinical testing. Allele origin: germline.
Comment: This sequence change replaces methionine, which is neutral and non-polar, with leucine, which is neutral and non-polar, at codon 1046 of the MAGEL2 protein (p.Met1046Leu). This variant is present in population databases (no rsID available, gnomAD 0.007%). This variant has not been reported in the literature in individuals affected with MAGEL2-related conditions. Invitae Evidence Modeling of protein sequence and biophysical properties (such as structural, functional, and spatial information, amino acid conservation, physicochemical variation, residue mobility, and thermodynamic stability) has been performed for this missense variant. However, the output from this modeling did not meet the statistical confidence thresholds required to predict the impact of this variant on MAGEL2 protein function. In summary, the available evidence is currently insufficient to determine the role of this variant in disease. Therefore, it has been classified as a Variant of Uncertain Significance.